The following is an entry in ClinVar:

NM_001040142.2(SCN2A):c.3258C>T (p.Val1086=)

Gene: SCN2A (sodium voltage-gated channel alpha subunit 2; plus strand). Cytogenetic location: 2q24.3.
Variant type: single nucleotide variant.
Coding change: c.3258C>T on transcript NM_001040142.2 (MANE Select); coding-DNA position 3258, C replaced by T.
Protein change: p.Val1086=; no amino-acid change (valine 1086 retained).
Molecular consequence: synonymous variant.
Genome position (GRCh38, 1-based): chr2:165,354,530, C>T. VCF-style: chr2-165354530-C-T. GRCh37 (hg19) VCF-style: chr2-166211040-C-T.
Other names: c.3258C>T, p.Val1086= (NM_001040143.2, NM_001371246.1, NM_001371247.1 and 1 more transcripts).
Identifiers: ClinVar variation 589729 (VCV000589729.22), dbSNP rs760647603, ClinGen allele CA1940077.

ClinVar aggregate classification (germline): Likely benign. Review status: criteria provided, multiple submitters, no conflicts (2 of 4 stars). 3 submissions from 3 submitters: Likely benign (3). Last evaluated 2025-10-27.

Conditions:
Inborn genetic diseases. Identifiers: MedGen C0950123, MeSH D030342.
Seizures, benign familial infantile, 3 (BFIS3). Also called: CONVULSIONS, BENIGN FAMILIAL INFANTILE, 3; Familial neonatal seizures. Identifiers: Orphanet 140927, Orphanet 306, MedGen C1843140, MONDO:0011904, OMIM 607745.
Developmental and epileptic encephalopathy, 11 (DEE11). Also called: Early infantile epileptic encephalopathy 11. Identifiers: Orphanet 1934, MedGen C3150987, MONDO:0013388, OMIM 613721.

Allele frequency attached by ClinVar (database versions not stated): ExAC 0.00001; TOPMed 0.00002; gnomAD 0.00003; gnomAD exomes 0.00003.
gnomAD v4.1: 42 of 1,613,902 alleles (0.0026%); highest among the groups gnomAD compares: African/African-American, 0.0093%; no homozygotes.

Submissions (3):

Labcorp Genetics (formerly Invitae), Labcorp
Classification: Likely benign for Seizures, benign familial infantile, 3; Developmental and epileptic encephalopathy, 11. Last evaluated: 2025-10-27. Review status: criteria provided, single submitter. Criteria: Invitae Variant Classification Sherloc (09022015). Collection method: clinical testing. Allele origin: germline.

Women's Health and Genetics/Laboratory Corporation of America, LabCorp
Classification: Likely benign. Last evaluated: 2023-10-31. Review status: criteria provided, single submitter. Criteria: LabCorp Variant Classification Summary - May 2015. Collection method: clinical testing. Allele origin: germline.
Comment: Variant summary: SCN2A c.3258C>T alters a conserved nucleotide resulting in a synonymous change. Consensus agreement among computation tools predict no significant impact on normal splicing. However, these predictions have yet to be confirmed by functional studies. The variant allele was found at a frequency of 2.8e-05 in 251422 control chromosomes. The available data on variant occurrences in the general population are insufficient to allow any conclusion about variant significance. To our knowledge, no occurrence of c.3258C>T in individuals affected with Early Infantile Epileptic Encephalopathy 11 and no experimental evidence demonstrating its impact on protein function have been reported. Two submitters have cited clinical-significance assessments for this variant to ClinVar after 2014. Both submitters classified the variant as likely benign. Based on the evidence outlined above, the variant was classified as likely benign.

Ambry Genetics
Classification: Likely benign for Inborn genetic diseases. Last evaluated: 2017-03-20. Review status: criteria provided, single submitter. Criteria: Ambry Variant Classification Scheme 2023. Collection method: clinical testing. Allele origin: germline.